The following is an entry in ClinVar:

ClinVar aggregate classification (germline): Uncertain significance. Review status: criteria provided, multiple submitters, no conflicts (2 of 4 stars). 2 submissions from 2 submitters: Uncertain significance (2). Last evaluated 2024-07-01.

Conditions:
Inborn genetic diseases. Identifiers: MedGen C0950123, MeSH D030342.

Allele frequency attached by ClinVar (database versions not stated): ExAC 0.00003; ESP Exome Variant Server 0.00008.
gnomAD v4.1: 79 of 1,613,920 alleles (0.0049%); highest among the groups gnomAD compares: African/African-American, 0.011%; no homozygotes.

Submissions (2):

CeGaT Center for Human Genetics Tuebingen
Classification: Uncertain significance. Last evaluated: 2024-07-01. Review status: criteria provided, single submitter. Criteria: CeGaT Center For Human Genetics Tuebingen Variant Classification Criteria Version 2. Collection method: clinical testing. Allele origin: germline. Affected: yes. Observed: 1 variant allele.
Comment: CCDC88C: PM2, BP4

Ambry Genetics
Classification: Uncertain significance for Inborn genetic diseases. Last evaluated: 2023-08-04. Review status: criteria provided, single submitter. Criteria: Ambry Variant Classification Scheme 2023. Collection method: clinical testing. Allele origin: germline.

NM_001080414.4(CCDC88C):c.1762G>A (p.Val588Met)

Gene: CCDC88C (coiled-coil and HOOK domain protein 88C; minus strand). Cytogenetic location: 14q32.11.
Variant type: single nucleotide variant.
Coding change: c.1762G>A on transcript NM_001080414.4 (MANE Select); coding-DNA position 1762, G replaced by A.
Protein change: p.Val588Met; replaces valine 588 with methionine.
Molecular consequence: missense variant.
Genome position (GRCh38, 1-based): chr14:91,314,054, C>T on the plus strand (G>A on the coding strand, the complement: CCDC88C is on the minus strand). VCF-style: chr14-91314054-C-T. GRCh37 (hg19) VCF-style: chr14-91780398-C-T.
Other names: short protein forms V588M.
Identifiers: ClinVar variation 2602467 (VCV002602467.19), dbSNP rs377498688, ClinGen allele CA7309815.